The following is an entry in ClinVar:

ClinVar aggregate classification (germline): Likely pathogenic (1 of 4 stars; one submission).

Conditions:
Jeune thoracic dystrophy. Also called: Jeune syndrome; Infantile thoracic dystrophy; Thoracic pelvic phalangeal dystrophy; Jeune's syndrome; Chondroectodermal dysplasia-like syndrome; Short-rib thoracic dysplasia. Identifiers: Orphanet 474, MedGen C0265275, MONDO:0018770.

Allele frequency attached by ClinVar (database versions not stated): gnomAD exomes below 0.00001; ExAC 0.00004.
gnomAD v4.1: 5 of 1,552,602 alleles (0.00032%); highest among the groups gnomAD compares: South Asian, 0.0024%; no homozygotes.

Submission:

Labcorp Genetics (formerly Invitae), Labcorp
Classification: Likely pathogenic for Jeune thoracic dystrophy. Last evaluated: 2023-03-02. Review status: criteria provided, single submitter. Criteria: Invitae Variant Classification Sherloc (09022015). Collection method: clinical testing. Allele origin: germline.
Comment: In summary, the currently available evidence indicates that the variant is pathogenic, but additional data are needed to prove that conclusively. Therefore, this variant has been classified as Likely Pathogenic. Algorithms developed to predict the effect of sequence changes on RNA splicing suggest that this variant may disrupt the consensus splice site. This variant has not been reported in the literature in individuals affected with DYNC2H1-related conditions. This variant is not present in population databases (gnomAD no frequency). This sequence change affects a donor splice site in intron 72 of the DYNC2H1 gene. It is expected to disrupt RNA splicing. Variants that disrupt the donor or acceptor splice site typically lead to a loss of protein function (PMID: 16199547), and loss-of-function variants in DYNC2H1 are known to be pathogenic (PMID: 23339108, 32753734).

Literature cited by the submitters: PubMed 16199547; PubMed 23339108; PubMed 32753734.

NM_001377.3(DYNC2H1):c.10761+1G>A

Gene: DYNC2H1 (dynein cytoplasmic 2 heavy chain 1; plus strand). Cytogenetic location: 11q22.3.
Variant type: single nucleotide variant.
Coding change: c.10761+1G>A on transcript NM_001377.3 (MANE Select); the canonical splice donor site of the intron after coding-DNA position 10761, G replaced by A.
Molecular consequence: splice donor variant.
Genome position (GRCh38, 1-based): chr11:103,280,414, G>A. VCF-style: chr11-103280414-G-A. GRCh37 (hg19) VCF-style: chr11-103151143-G-A.
Other names: c.10782+1G>A (NM_001080463.2).
Identifiers: ClinVar variation 2786123 (VCV002786123.3), dbSNP rs779706754, ClinGen allele CA6255043.
Genomic context (GRCh38, chr11:103,280,414, plus strand): 5'-CAGTTGATGTTCGCTTTGCATTTTGTTCGAGGCATGCATCCTGAACTTTTTCAAGAAAAT[G>A]TAAGTCAAATTAAAGGAGAGAAATTTTACAGTAACATAGAAATTTGTTAATGGGTGGATT-3'